The following is an entry in ClinVar:

ClinVar aggregate classification (germline): Likely benign (1 of 4 stars; one submission).

Submission:

GeneDx
Classification: Likely benign. Last evaluated: 2018-02-08. Review status: criteria provided, single submitter. Criteria: GeneDx Variant Classification (06012015). Collection method: clinical testing. Allele origin: germline. Affected: yes.
Comment: This variant is considered likely benign or benign based on one or more of the following criteria: it is a conservative change, it occurs at a poorly conserved position in the protein, it is predicted to be benign by multiple in silico algorithms, and/or has population frequency not consistent with disease.

NM_001002755.2(NFU1):c.-27G>C

Gene: NFU1 (NFU1 iron-sulfur cluster scaffold; minus strand). Cytogenetic location: 2p13.3.
Variant type: single nucleotide variant.
Coding change: c.-27G>C on transcript NM_001002755.2; 27 bases upstream of the start codon, G replaced by C.
Molecular consequence: 5 prime UTR variant (on NM_001002756.2). On other transcripts: intron variant (1).
Genome position (GRCh38, 1-based): chr2:69,437,449, C>G on the plus strand (G>C on the coding strand, the complement: NFU1 is on the minus strand). VCF-style: chr2-69437449-C-G. GRCh37 (hg19) VCF-style: chr2-69664581-C-G.
Other names: c.-404G>C (NM_001002756.2); c.-11+604G>C (NM_001374284.1).
Identifiers: ClinVar variation 515015 (VCV000515015.3), dbSNP rs1553403513, ClinGen allele CA658795801.